The following is an entry in ClinVar:

NM_144631.6(ZNF513):c.1054C>T (p.Pro352Ser)

Gene: ZNF513 (zinc finger protein 513; minus strand). Cytogenetic location: 2p23.3.
Variant type: single nucleotide variant.
Coding change: c.1054C>T on transcript NM_144631.6 (MANE Select); coding-DNA position 1054, C replaced by T.
Protein change: p.Pro352Ser; replaces proline 352 with serine.
Molecular consequence: missense variant.
Genome position (GRCh38, 1-based): chr2:27,378,117, G>A on the plus strand (C>T on the coding strand, the complement: ZNF513 is on the minus strand). VCF-style: chr2-27378117-G-A. GRCh37 (hg19) VCF-style: chr2-27600984-G-A.
Other names: c.868C>T, p.Pro290Ser (NM_001201459.2); short protein forms P290S, P352S.
Identifiers: ClinVar variation 1058516 (VCV001058516.9), dbSNP rs2148412271, ClinGen allele CA346216251.
Genomic context (GRCh38, chr2:27,378,117, plus strand): 5'-GATAGTGAGTGGCAAAGGGGCAGAGGCTACAGGCAAAGCCTTTGTCACTGGGGCCCTGGG[G>A]CCCCCCACTGGCACCCCCTCCAGCCTCTCCTCGCATGCAGCGCCCACACATGGCAGCTCC-3'
Protein context (NP_653232.3, residues 342-362): GEAGGGASGG[Pro352Ser]QGPSDKGFAC

ClinVar aggregate classification (germline): Uncertain significance (1 of 4 stars; one submission).

Submission:

Labcorp Genetics (formerly Invitae), Labcorp
Classification: Uncertain significance. Last evaluated: 2022-06-27. Review status: criteria provided, single submitter. Criteria: Invitae Variant Classification Sherloc (09022015). Collection method: clinical testing. Allele origin: germline.
Comment: In summary, the available evidence is currently insufficient to determine the role of this variant in disease. Therefore, it has been classified as a Variant of Uncertain Significance. Algorithms developed to predict the effect of missense changes on protein structure and function are either unavailable or do not agree on the potential impact of this missense change (SIFT: "Tolerated"; PolyPhen-2: "Possibly Damaging"; Align-GVGD: "Class C25"). ClinVar contains an entry for this variant (Variation ID: 1058516). This variant has not been reported in the literature in individuals affected with ZNF513-related conditions. This variant is not present in population databases (gnomAD no frequency). This sequence change replaces proline, which is neutral and non-polar, with serine, which is neutral and polar, at codon 352 of the ZNF513 protein (p.Pro352Ser).